The following is an entry in ClinVar:

ClinVar aggregate classification (germline): Uncertain significance (1 of 4 stars; one submission).

gnomAD v4.1: 7 of 1,210,753 alleles (0.00058%); highest among the groups gnomAD compares: East Asian, 0.003%; no homozygotes.

Submission:

GeneDx
Classification: Uncertain significance. Last evaluated: 2026-01-22. Review status: criteria provided, single submitter. Criteria: GeneDx Variant Classification Process June 2021. Collection method: clinical testing. Allele origin: germline.
Comment: Has not been previously published as pathogenic or benign to our knowledge; Not observed at significant frequency in large population cohorts (gnomAD); In silico analysis supports that this missense variant has a deleterious effect on protein structure/function

NM_001110556.2(FLNA):c.3271G>A (p.Asp1091Asn)

Gene: FLNA (filamin A; minus strand). Cytogenetic location: Xq28.
Variant type: single nucleotide variant.
Coding change: c.3271G>A on transcript NM_001110556.2 (MANE Select); coding-DNA position 3271, G replaced by A.
Protein change: p.Asp1091Asn; replaces aspartic acid 1091 with asparagine.
Molecular consequence: missense variant.
Genome position (GRCh38, 1-based): chrX:154,360,524, C>T on the plus strand (G>A on the coding strand, the complement: FLNA is on the minus strand). VCF-style: chrX-154360524-C-T. GRCh37 (hg19) VCF-style: chrX-153588892-C-T.
Other names: c.3271G>A, p.Asp1091Asn (NM_001456.4); short protein forms D1091N.
Identifiers: ClinVar variation 4887914 (VCV004887914.1).